The following is an entry in ClinVar:

ClinVar aggregate classification (germline): Conflicting classifications of pathogenicity. Review status: criteria provided, conflicting classifications (1 of 4 stars). 2 submissions from 2 submitters: Uncertain significance (1); Likely benign (1). Last evaluated 2024-09-01.

Conditions:
Polycystic kidney disease, adult type (PKD1). Also called: Polycystic Kidney Disease 1, Autosomal Dominant; Polycystic kidney disease 1; Polycystic kidney disease 1, severe; Polycystic Kidney, Autosomal Dominant; POLYCYSTIC KIDNEY DISEASE, ADULT, TYPE I; POLYCYSTIC KIDNEY DISEASE 1 WITH OR WITHOUT POLYCYSTIC LIVER DISEASE. Identifiers: MedGen C3149841, MONDO:0008263, OMIM 173900.

gnomAD v4.1: 218 of 1,611,888 alleles (0.014%); highest among the groups gnomAD compares: Middle Eastern, 0.23%; no homozygotes.

Submissions (2):

CeGaT Center for Human Genetics Tuebingen
Classification: Uncertain significance. Last evaluated: 2024-09-01. Review status: criteria provided, single submitter. Criteria: CeGaT Center For Human Genetics Tuebingen Variant Classification Criteria Version 2. Collection method: clinical testing. Allele origin: germline. Affected: yes. Observed: 1 variant allele.
Comment: PKD1: PM2:Supporting, BP4

Department of Pathology and Laboratory Medicine, Sinai Health System
Classification: Likely benign for Polycystic kidney disease, adult type. Last evaluated: 2024-04-08. Review status: criteria provided, single submitter. Criteria: ACMG Guidelines, 2015. Collection method: clinical testing. Allele origin: germline.

Literature cited by the submitters: PubMed 27499327 (cited by Department of Pathology and Laboratory Medicine, Sinai Health System).

NM_001009944.3(PKD1):c.10351G>A (p.Asp3451Asn)

Gene: PKD1 (polycystin 1, transient receptor potential channel interacting; minus strand). Cytogenetic location: 16p13.3.
Variant type: single nucleotide variant.
Coding change: c.10351G>A on transcript NM_001009944.3 (MANE Select); coding-DNA position 10351, G replaced by A.
Protein change: p.Asp3451Asn; replaces aspartic acid 3451 with asparagine.
Molecular consequence: missense variant.
Genome position (GRCh38, 1-based): chr16:2,097,373, C>T on the plus strand (G>A on the coding strand, the complement: PKD1 is on the minus strand). VCF-style: chr16-2097373-C-T. GRCh37 (hg19) VCF-style: chr16-2147374-C-T.
Other names: c.10348G>A, p.Asp3450Asn (NM_000296.4); short protein forms D3450N, D3451N.
Identifiers: ClinVar variation 3388309 (VCV003388309.15).